The following is an entry in ClinVar:

ClinVar aggregate classification (germline): Uncertain significance (1 of 4 stars; one submission).

Allele frequency attached by ClinVar (database versions not stated): TOPMed 0.00001.

Submission:

Labcorp Genetics (formerly Invitae), Labcorp
Classification: Uncertain significance. Last evaluated: 2023-04-06. Review status: criteria provided, single submitter. Criteria: Invitae Variant Classification Sherloc (09022015). Collection method: clinical testing. Allele origin: germline.
Comment: In summary, the available evidence is currently insufficient to determine the role of this variant in disease. Therefore, it has been classified as a Variant of Uncertain Significance. Advanced modeling of protein sequence and biophysical properties (such as structural, functional, and spatial information, amino acid conservation, physicochemical variation, residue mobility, and thermodynamic stability) performed at Invitae indicates that this missense variant is not expected to disrupt NR2F1 protein function. This variant has not been reported in the literature in individuals affected with NR2F1-related conditions. This variant is not present in population databases (gnomAD no frequency). This sequence change replaces threonine, which is neutral and polar, with serine, which is neutral and polar, at codon 255 of the NR2F1 protein (p.Thr255Ser).

NM_005654.6(NR2F1):c.764C>G (p.Thr255Ser)

Gene: NR2F1 (nuclear receptor subfamily 2 group F member 1; plus strand). Cytogenetic location: 5q15.
Variant type: single nucleotide variant.
Coding change: c.764C>G on transcript NM_005654.6 (MANE Select); coding-DNA position 764, C replaced by G.
Protein change: p.Thr255Ser; replaces threonine 255 with serine.
Molecular consequence: missense variant.
Genome position (GRCh38, 1-based): chr5:93,588,217, C>G. VCF-style: chr5-93588217-C-G. GRCh37 (hg19) VCF-style: chr5-92923923-C-G.
Other names: c.314C>G, p.Thr105Ser (NM_001410754.1); short protein forms T105S, T255S.
Identifiers: ClinVar variation 2911784 (VCV002911784.3), dbSNP rs1267363315, ClinGen allele CA360527031.